The following is an entry in ClinVar:

ClinVar aggregate classification (germline): Likely pathogenic (1 of 4 stars; one submission).

Conditions:
OPLAH-related disorder. Also called: OPLAH-related condition.

Submission:

PreventionGenetics, part of Exact Sciences
Classification: Likely pathogenic for OPLAH-related condition. Last evaluated: 2022-11-16. Review status: criteria provided, single submitter. Criteria: ACMG Guidelines, 2015. Collection method: clinical testing. Allele origin: germline.
Comment: The OPLAH c.3259delG variant is predicted to result in a frameshift and premature protein termination (p.Val1087Trpfs*18). To our knowledge, this variant has not been reported in the literature. This variant is reported in 0.0014% of alleles in individuals of European (Non-Finnish) descent in gnomAD. Frameshift variants in OPLAH are expected to be pathogenic. This variant is interpreted as likely pathogenic.

NM_017570.5(OPLAH):c.3259del (p.Val1087fs)

Gene: OPLAH (5-oxoprolinase, ATP-hydrolysing; minus strand). Cytogenetic location: 8q24.3.
Variant type: Deletion.
Coding change: c.3259del on transcript NM_017570.5 (MANE Select); coding-DNA position 3259, one base deleted (G; older notation c.3259delG).
Protein change: p.Val1087fs; shifts the reading frame from valine 1087.
Molecular consequence: frameshift variant.
Genome position (GRCh38, 1-based): chr8:144,052,493, C deleted on the plus strand (G on the coding strand, the reverse complement: OPLAH is on the minus strand); the first of 2 consecutive C bases (chr8:144,052,493-144,052,494); deleting either gives the same sequence. VCF-style (leftmost placement, unchanged base first): chr8-144052492-AC-A. GRCh37 (hg19) VCF-style: chr8-145107395-AC-A.
Other names: short protein forms V1087fs.
Identifiers: ClinVar variation 2628865 (VCV002628865.1), dbSNP rs1554757924, ClinGen allele CA586159441.
Genomic context (GRCh38, chr8:144,052,492, plus strand): 5'-CCACCCCGCCCCCGCACCTGGGAGGCGGCGCAGGCCCCAAAGGCCCCCAGGATGACATCC[AC>A]CACGCGCTGCGACGTGAGCACGTTGCCGCCCACCACCGCCGCCTCGGGCGACGGGTCCAG-3'